The following is an entry in ClinVar:

ClinVar aggregate classification (germline): Conflicting classifications of pathogenicity. Review status: criteria provided, conflicting classifications (1 of 4 stars). 2 submissions from 2 submitters: Uncertain significance (1); Likely benign (1). Last evaluated 2025-09-20.

Conditions:
Cardiovascular phenotype. Identifiers: MedGen CN230736.
Brugada syndrome. Also called: Sudden Unexplained Death Syndrome; Sudden Unexplained Nocturnal Death Syndrome (SUNDS); Sudden unexplained nocturnal death syndrome; Sudden unexpected nocturnal death syndrome. Identifiers: Orphanet 130, MedGen C1142166, MONDO:0015263.

Allele frequency attached by ClinVar (database versions not stated): gnomAD exomes below 0.00001 and 0.00002; ExAC 0.00002; gnomAD 0.00002; TOPMed 0.00003.
gnomAD v4.1: 6 of 1,612,894 alleles (0.00037%); highest among the groups gnomAD compares: East Asian, 0.013%; no homozygotes.

Submissions (2):

Labcorp Genetics (formerly Invitae), Labcorp
Classification: Uncertain significance for Brugada syndrome. Last evaluated: 2025-09-20. Review status: criteria provided, single submitter. Criteria: Invitae Variant Classification Sherloc (09022015). Collection method: clinical testing. Allele origin: germline.
Comment: This sequence change replaces arginine, which is basic and polar, with tryptophan, which is neutral and slightly polar, at codon 609 of the SCN10A protein (p.Arg609Trp). This variant is present in population databases (rs769962695, gnomAD 0.02%). This variant has not been reported in the literature in individuals affected with SCN10A-related conditions. ClinVar contains an entry for this variant (Variation ID: 1467508). Invitae Evidence Modeling of protein sequence and biophysical properties (such as structural, functional, and spatial information, amino acid conservation, physicochemical variation, residue mobility, and thermodynamic stability) indicates that this missense variant is expected to disrupt SCN10A protein function with a positive predictive value of 80%. In summary, the available evidence is currently insufficient to determine the role of this variant in disease. Therefore, it has been classified as a Variant of Uncertain Significance.

Ambry Genetics
Classification: Likely benign for Cardiovascular phenotype. Last evaluated: 2023-10-05. Review status: criteria provided, single submitter. Criteria: Ambry Variant Classification Scheme 2023. Collection method: clinical testing. Allele origin: germline.

NM_006514.4(SCN10A):c.1825A>T (p.Arg609Trp)

Gene: SCN10A (sodium voltage-gated channel alpha subunit 10; minus strand). Cytogenetic location: 3p22.2.
Variant type: single nucleotide variant.
Coding change: c.1825A>T on transcript NM_006514.4 (MANE Select); coding-DNA position 1825, A replaced by T.
Protein change: p.Arg609Trp; replaces arginine 609 with tryptophan.
Molecular consequence: missense variant.
Genome position (GRCh38, 1-based): chr3:38,750,115, T>A on the plus strand (A>T on the coding strand, the complement: SCN10A is on the minus strand). VCF-style: chr3-38750115-T-A. GRCh37 (hg19) VCF-style: chr3-38791606-T-A.
Other names: c.1825A>T (NM_006514.2); c.1825A>T, p.Arg609Trp (NM_001293306.2); c.1531A>T, p.Arg511Trp (NM_001293307.2); short protein forms R511W, R609W.
Identifiers: ClinVar variation 1467508 (VCV001467508.6), dbSNP rs769962695, ClinGen allele CA2320737.